The following is an entry in ClinVar:

NM_032447.5(FBN3):c.3616G>A (p.Val1206Ile)

Gene: FBN3 (fibrillin 3; minus strand). Cytogenetic location: 19p13.2.
Variant type: single nucleotide variant.
Coding change: c.3616G>A on transcript NM_032447.5 (MANE Select); coding-DNA position 3616, G replaced by A.
Protein change: p.Val1206Ile; replaces valine 1206 with isoleucine.
Molecular consequence: missense variant.
Genome position (GRCh38, 1-based): chr19:8,116,770, C>T on the plus strand (G>A on the coding strand, the complement: FBN3 is on the minus strand). VCF-style: chr19-8116770-C-T. GRCh37 (hg19) VCF-style: chr19-8181654-C-T.
Other names: c.3616G>A, p.Val1206Ile (NM_001321431.2); short protein forms V1206I.
Identifiers: ClinVar variation 2138204 (VCV002138204.4), dbSNP rs747241812, ClinGen allele CA9152380.

ClinVar aggregate classification (germline): Uncertain significance (1 of 4 stars; one submission).

Allele frequency attached by ClinVar (database versions not stated): gnomAD exomes 0.00001; ExAC 0.00002; gnomAD 0.00008; TOPMed 0.00008.
gnomAD v4.1: 23 of 1,614,000 alleles (0.0014%); highest among the groups gnomAD compares: African/African-American, 0.02%; no homozygotes.

Submission:

Labcorp Genetics (formerly Invitae), Labcorp
Classification: Uncertain significance. Last evaluated: 2025-06-12. Review status: criteria provided, single submitter. Criteria: Invitae Variant Classification Sherloc (09022015). Collection method: clinical testing. Allele origin: germline.
Comment: This sequence change replaces valine, which is neutral and non-polar, with isoleucine, which is neutral and non-polar, at codon 1206 of the FBN3 protein (p.Val1206Ile). This variant is present in population databases (rs747241812, gnomAD 0.02%). This missense change has been observed in individual(s) with Bardet-Biedl syndrome (PMID: 9156830, 29156830). It has also been observed to segregate with disease in related individuals. ClinVar contains an entry for this variant (Variation ID: 2138204). An algorithm developed to predict the effect of missense changes on protein structure and function outputs the following: PolyPhen-2: "Benign". The isoleucine amino acid residue is found in multiple mammalian species, which suggests that this missense change does not adversely affect protein function. In summary, the available evidence is currently insufficient to determine the role of this variant in disease. Therefore, it has been classified as a Variant of Uncertain Significance.

Literature cited by the submitters: PubMed 9156830; PubMed 29156830.